The following is an entry in ClinVar:

NM_033109.5(PNPT1):c.1628T>C (p.Met543Thr)

Gene: PNPT1 (polyribonucleotide nucleotidyltransferase 1; minus strand). Cytogenetic location: 2p16.1.
Variant type: single nucleotide variant.
Coding change: c.1628T>C on transcript NM_033109.5 (MANE Select); coding-DNA position 1628, T replaced by C.
Protein change: p.Met543Thr; replaces methionine 543 with threonine.
Molecular consequence: missense variant.
Genome position (GRCh38, 1-based): chr2:55,646,461, A>G on the plus strand (T>C on the coding strand, the complement: PNPT1 is on the minus strand). VCF-style: chr2-55646461-A-G. GRCh37 (hg19) VCF-style: chr2-55873596-A-G.
Other names: short protein forms M543T.
Identifiers: ClinVar variation 2095314 (VCV002095314.4), dbSNP rs1696008444, ClinGen allele CA346925661.

ClinVar aggregate classification (germline): Uncertain significance (1 of 4 stars; one submission).

Allele frequency attached by ClinVar (database versions not stated): TOPMed below 0.00001.

Submission:

Labcorp Genetics (formerly Invitae), Labcorp
Classification: Uncertain significance. Last evaluated: 2022-08-01. Review status: criteria provided, single submitter. Criteria: Invitae Variant Classification Sherloc (09022015). Collection method: clinical testing. Allele origin: germline.
Comment: In summary, the available evidence is currently insufficient to determine the role of this variant in disease. Therefore, it has been classified as a Variant of Uncertain Significance. Advanced modeling of protein sequence and biophysical properties (such as structural, functional, and spatial information, amino acid conservation, physicochemical variation, residue mobility, and thermodynamic stability) performed at Invitae indicates that this missense variant is expected to disrupt PNPT1 protein function. This variant has not been reported in the literature in individuals affected with PNPT1-related conditions. This variant is not present in population databases (gnomAD no frequency). This sequence change replaces methionine, which is neutral and non-polar, with threonine, which is neutral and polar, at codon 543 of the PNPT1 protein (p.Met543Thr).